The following is an entry in ClinVar:

ClinVar aggregate classification (germline): Uncertain significance (1 of 4 stars; one submission).

Submission:

CeGaT Center for Human Genetics Tuebingen
Classification: Uncertain significance. Last evaluated: 2024-08-01. Review status: criteria provided, single submitter. Criteria: CeGaT Center For Human Genetics Tuebingen Variant Classification Criteria Version 2. Collection method: clinical testing. Allele origin: germline. Affected: yes. Observed: 1 variant allele.
Comment: ZMIZ1: PM2

NM_020338.4(ZMIZ1):c.1193T>C (p.Leu398Pro)

Gene: ZMIZ1 (zinc finger MIZ-type containing 1; plus strand). Cytogenetic location: 10q22.3.
Variant type: single nucleotide variant.
Coding change: c.1193T>C on transcript NM_020338.4 (MANE Select); coding-DNA position 1193, T replaced by C.
Protein change: p.Leu398Pro; replaces leucine 398 with proline.
Molecular consequence: missense variant.
Genome position (GRCh38, 1-based): chr10:79,293,616, T>C. VCF-style: chr10-79293616-T-C. GRCh37 (hg19) VCF-style: chr10-81053373-T-C.
Other names: short protein forms L398P.
Identifiers: ClinVar variation 3342166 (VCV003342166.16).